The following is an entry in ClinVar:

ClinVar aggregate classification (germline): Likely pathogenic. Review status: criteria provided, multiple submitters, no conflicts (2 of 4 stars). 2 submissions from 2 submitters: Likely pathogenic (2). Last evaluated 2025-12-03.

Conditions:
Hereditary breast ovarian cancer syndrome. Also called: Hereditary breast and ovarian cancer; Hereditary breast and ovarian cancer syndrome (HBOC); Breast and ovarian cancer; Hereditary breast and/or ovarian cancer syndrome; BRCA1- and BRCA2-Associated Hereditary Breast and Ovarian Cancer; Hereditary breast and ovarian cancer syndrome. Identifiers: Orphanet 145, MedGen C0677776, MeSH D061325, MONDO:0003582. Disease mechanism: loss of function.
Hereditary cancer-predisposing syndrome. Also called: Neoplastic Syndromes, Hereditary; Tumor predisposition; Hereditary Cancer Syndrome; Hereditary neoplastic syndrome. Identifiers: Orphanet 140162, MedGen C0027672, MeSH D009386, MONDO:0015356.

Allele frequency attached by ClinVar (database versions not stated): gnomAD exomes below 0.00001.
gnomAD v4.1: 1 of 1,614,008 alleles (0.000062%); no homozygotes.

Submissions (3):

Ambry Genetics
Classification: Likely pathogenic for Hereditary cancer-predisposing syndrome. Last evaluated: 2025-12-03. Review status: criteria provided, single submitter. Criteria: Ambry Variant Classification Scheme 2023. Collection method: clinical testing. Allele origin: germline.
Comment: The p.V1736F variant (also known as c.5206G>T), located in coding exon 18 of the BRCA1 gene, results from a G to T substitution at nucleotide position 5206. The valine at codon 1736 is replaced by phenylalanine, an amino acid with highly similar properties. One functional study found that this nucleotide substitution is non-functional in a high throughput genome editing haploid cell survival assay (Findlay GM et al. Nature, 2018 Oct;562:217-222). This variant was also non-functional in homology directed repair and cisplatin resistance protein functional assays (Adamovich AI et al. Am J Hum Genet, 2022 Apr;109:618-630). This variant is considered to be rare based on population cohorts in the Genome Aggregation Database (gnomAD). This amino acid position is highly conserved in available vertebrate species. In addition, this alteration is predicted to be deleterious by in silico analysis. Based on the majority of available evidence to date, this variant is likely to be pathogenic.

Genetics Program, Instituto Nacional de Cancer
Classification: Likely pathogenic for Hereditary breast ovarian cancer syndrome. Last evaluated: 2021-11-01. Review status: criteria provided, single submitter. Criteria: ACMG Guidelines, 2015. Collection method: research. Allele origin: germline. Affected: yes.

Brotman Baty Institute, University of Washington
No classification provided (evidence only). Condition: Breast-ovarian cancer, familial 1. Review status: no classification provided. Collection method: in vitro. Allele origin: not applicable. Functional consequence: functionally_abnormal. Not counted in ClinVar's aggregate classification.
ClinVar note: "not provided" was previously submitted as the classification for the variant. However, the classification appeared to be based only on an observation of functional data so it was converted to no classification on 2025-07-30.

Literature cited by the submitters: PubMed 30209399 (cited by Ambry Genetics and Genetics Program, Instituto Nacional de Cancer); PubMed 35196514 (cited by Ambry Genetics); PubMed 36329109 (cited by Genetics Program, Instituto Nacional de Cancer).

NM_007294.4(BRCA1):c.5206G>T (p.Val1736Phe)

Gene: BRCA1 (BRCA1 DNA repair associated; minus strand). Cytogenetic location: 17q21.31.
Variant type: single nucleotide variant.
Coding change: c.5206G>T on transcript NM_007294.4 (MANE Select); coding-DNA position 5206, G replaced by T.
Protein change: p.Val1736Phe; replaces valine 1736 with phenylalanine.
Molecular consequence: missense variant. On other transcripts: non-coding transcript variant (1).
Genome position (GRCh38, 1-based): chr17:43,057,123, C>A on the plus strand (G>T on the coding strand, the complement: BRCA1 is on the minus strand). VCF-style: chr17-43057123-C-A. GRCh37 (hg19) VCF-style: chr17-41209140-C-A.
Other names: c.4993G>T, p.Val1665Phe (NM_001407571.1, NM_001407900.1, NM_001407902.1 and 12 more transcripts); c.5272G>T, p.Val1758Phe (NM_001407581.1, NM_001407582.1); c.5269G>T, p.Val1757Phe (NM_001407583.1, NM_001407585.1, NM_001407587.1 and 1 more transcripts); c.5203G>T, p.Val1735Phe (NM_001407610.1, NM_001407611.1, NM_001407612.1 and 17 more transcripts); c.5200G>T, p.Val1734Phe (NM_001407629.1, NM_001407630.1, NM_001407631.1 and 14 more transcripts); c.5146G>T, p.Val1716Phe (NM_001407649.1); c.5128G>T, p.Val1710Phe (NM_001407652.1, NM_001407653.1, NM_001407654.1 and 1 more transcripts); c.5125G>T, p.Val1709Phe (NM_001407656.1, NM_001407657.1, NM_001407658.1); and 72 more; short protein forms V1757F, V1689F, V632F, V1736F, V1439F, V1607F, V1609F, V1646F.
Identifiers: ClinVar variation 867843 (VCV000867843.31), dbSNP rs377595653, ClinGen allele CA10591122.
Genomic context (GRCh38, chr17:43,057,123, plus strand): 5'-GGGATTCTCTTGCTCGCTTTGGACCTTGGTGGTTTCTTCCATTGACCACATCTCCTCTGA[C>A]TTCAAAATCATGCTGAAAGAAACCAAACACAACCCATCAGGATAAGAGAAAGAGAAGCTT-3'
Protein context (NP_009225.1, residues 1726-1746): RKMLNEHDFE[Val1736Phe]RGDVVNGRNH